The following is an entry in ClinVar:

NM_007294.4(BRCA1):c.1207T>G (p.Ser403Ala)

Gene: BRCA1 (BRCA1 DNA repair associated; minus strand). Cytogenetic location: 17q21.31.
Variant type: single nucleotide variant.
Coding change: c.1207T>G on transcript NM_007294.4 (MANE Select); coding-DNA position 1207, T replaced by G.
Protein change: p.Ser403Ala; replaces serine 403 with alanine.
Molecular consequence: missense variant. On other transcripts: intron variant (137).
Genome position (GRCh38, 1-based): chr17:43,094,324, A>C on the plus strand (T>G on the coding strand, the complement: BRCA1 is on the minus strand). VCF-style: chr17-43094324-A-C. GRCh37 (hg19) VCF-style: chr17-41246341-A-C.
Other names: c.1207T>G, p.Ser403Ala (NM_001407620.1, NM_001407621.1, NM_001407622.1 and 30 more transcripts); c.1204T>G, p.Ser402Ala (NM_001407632.1, NM_001407633.1, NM_001407634.1 and 22 more transcripts); c.994T>G, p.Ser332Ala (NM_001407571.1, NM_001407853.1, NM_001407894.1 and 9 more transcripts); c.1198T>G, p.Ser400Ala (NM_001407646.1, NM_001407647.1); c.1084T>G, p.Ser362Ala (NM_001407648.1, NM_001407664.1, NM_001407665.1 and 19 more transcripts); c.1081T>G, p.Ser361Ala (NM_001407649.1, NM_001407670.1, NM_001407671.1 and 11 more transcripts); c.1129T>G, p.Ser377Ala (NM_001407653.1, NM_001407654.1, NM_001407655.1 and 4 more transcripts); c.1126T>G, p.Ser376Ala (NM_001407659.1, NM_001407660.1, NM_001407661.1 and 1 more transcripts); and 40 more; short protein forms S403A, S356A, S292A, S332A, S377A, S400A, S107A, S235A.
Identifiers: ClinVar variation 818573 (VCV000818573.24), dbSNP rs1555592200, ClinGen allele CA10599635.
Genomic context (GRCh38, chr17:43,094,324, plus strand): 5'-AATATTCATCTACCTCATTTAGAACGTCCAATACATCAGCTACTTTGGCATTTGATTCAG[A>C]CTCCCCATCATGTGAGTCATCAGAACCTAACAGTTCATCACTTCTGGAAAACCACTCATT-3'
Protein context (NP_009225.1, residues 393-413): LGSDDSHDGE[Ser403Ala]ESNAKVADVL

ClinVar aggregate classification (germline): Conflicting classifications of pathogenicity. Review status: criteria provided, conflicting classifications (1 of 4 stars). 6 submissions from 6 submitters: Uncertain significance (4); Likely benign (2). Last evaluated 2024-04-25.

Conditions:
BRCA1-related cancer predisposition. Identifiers: MedGen CN377757, MONDO:0700268.
Hereditary breast ovarian cancer syndrome. Also called: Hereditary breast and ovarian cancer; Hereditary breast and/or ovarian cancer syndrome; BRCA1- and BRCA2-Associated Hereditary Breast and Ovarian Cancer; Breast and ovarian cancer; Hereditary breast and ovarian cancer syndrome; Hereditary breast and ovarian cancer syndrome (HBOC). Identifiers: Orphanet 145, MedGen C0677776, MeSH D061325, MONDO:0003582. Disease mechanism: loss of function.
Hereditary cancer-predisposing syndrome. Also called: Neoplastic Syndromes, Hereditary; Tumor predisposition; Hereditary Cancer Syndrome; Hereditary neoplastic syndrome. Identifiers: Orphanet 140162, MedGen C0027672, MeSH D009386, MONDO:0015356.

gnomAD v4.1: 2 of 1,613,864 alleles (0.00012%); highest among the groups gnomAD compares: Non-Finnish European, 0.000085%; no homozygotes.

Submissions (6):

All of Us Research Program, National Institutes of Health
Classification: Uncertain significance for BRCA1-related cancer predisposition. Last evaluated: 2024-04-25. Review status: criteria provided, single submitter. Criteria: ACMG Guidelines, 2015. Collection method: clinical testing. Allele origin: germline. Inheritance: Autosomal dominant inheritance. Observed: 1 variant allele, 1 heterozygote.
Comment: This missense variant replaces serine with alanine at codon 403 of the BRCA1 protein. Computational prediction is inconclusive regarding the impact of this variant on protein structure and function (internally defined REVEL score threshold 0.5 < inconclusive < 0.7, PMID: 27666373). To our knowledge, functional studies have not been reported for this variant. This variant has not been reported in individuals affected with hereditary cancer in the literature. This variant has not been identified in the general population by the Genome Aggregation Database (gnomAD). The available evidence is insufficient to determine the role of this variant in disease conclusively. Therefore, this variant is classified as a Variant of Uncertain Significance.

This study involves interpretation of variants in research participants for the purpose of population health screening. Participant phenotype was not available at the time of variant classification. Additional details can be found in publication PMID: 35346344, PMCID: PMC8962531

Labcorp Genetics (formerly Invitae), Labcorp
Classification: Uncertain significance for Hereditary breast ovarian cancer syndrome. Last evaluated: 2023-08-01. Review status: criteria provided, single submitter. Criteria: Invitae Variant Classification Sherloc (09022015). Collection method: clinical testing. Allele origin: germline.
Comment: In summary, the available evidence is currently insufficient to determine the role of this variant in disease. Therefore, it has been classified as a Variant of Uncertain Significance. Advanced modeling of protein sequence and biophysical properties (such as structural, functional, and spatial information, amino acid conservation, physicochemical variation, residue mobility, and thermodynamic stability) performed at Invitae indicates that this missense variant is not expected to disrupt BRCA1 protein function. ClinVar contains an entry for this variant (Variation ID: 818573). This variant has not been reported in the literature in individuals affected with BRCA1-related conditions. This variant is not present in population databases (gnomAD no frequency). This sequence change replaces serine, which is neutral and polar, with alanine, which is neutral and non-polar, at codon 403 of the BRCA1 protein (p.Ser403Ala).

Ambry Genetics
Classification: Uncertain significance for Hereditary cancer-predisposing syndrome. Last evaluated: 2023-07-08. Review status: criteria provided, single submitter. Criteria: Ambry Variant Classification Scheme 2023. Collection method: clinical testing. Allele origin: germline.
Comment: The p.S403A variant (also known as c.1207T>G), located in coding exon 9 of the BRCA1 gene, results from a T to G substitution at nucleotide position 1207. The serine at codon 403 is replaced by alanine, an amino acid with similar properties. This amino acid position is not well conserved in available vertebrate species. In addition, the in silico prediction for this alteration is inconclusive. Since supporting evidence is limited at this time, the clinical significance of this alteration remains unclear.

Color Diagnostics, LLC DBA Color Health
Classification: Uncertain significance for Hereditary cancer-predisposing syndrome. Last evaluated: 2023-05-23. Review status: criteria provided, single submitter. Criteria: ACMG Guidelines, 2015. Collection method: clinical testing. Allele origin: germline.
Comment: This missense variant replaces serine with alanine at codon 403 of the BRCA1 protein. Computational prediction is inconclusive regarding the impact of this variant on protein structure and function (internally defined REVEL score threshold 0.5 < inconclusive < 0.7, PMID: 27666373). To our knowledge, functional studies have not been reported for this variant. This variant has not been reported in individuals affected with hereditary cancer in the literature. This variant has not been identified in the general population by the Genome Aggregation Database (gnomAD). The available evidence is insufficient to determine the role of this variant in disease conclusively. Therefore, this variant is classified as a Variant of Uncertain Significance.

University of Washington Department of Laboratory Medicine, University of Washington
Classification: Likely benign for Hereditary cancer-predisposing syndrome. Last evaluated: 2023-03-23. Review status: criteria provided, single submitter. Criteria: Dines et al. (Genet Med. 2020). Collection method: curation. Allele origin: germline.
Comment: Missense variant in a coldspot region where missense variants are very unlikely to be pathogenic (PMID:31911673).

BRCA1 coldspot (exon 11 using historical exon numbering). Reclassification based on statistical prior probability

Blueprint Genetics
Classification: Likely benign. Last evaluated: 2022-04-29. Review status: criteria provided, single submitter. Criteria: ACMG Guidelines, 2015. Collection method: clinical testing. Allele origin: germline.